The following is an entry in ClinVar:

NM_020458.4(TTC7A):c.2482C>T (p.Gln828Ter)

Gene: TTC7A (tetratricopeptide repeat domain 7A; plus strand). Cytogenetic location: 2p21.
Variant type: single nucleotide variant.
Coding change: c.2482C>T on transcript NM_020458.4 (MANE Select); coding-DNA position 2482, C replaced by T.
Protein change: p.Gln828Ter; replaces glutamine 828 with a stop codon.
Molecular consequence: nonsense.
Genome position (GRCh38, 1-based): chr2:47,073,828, C>T. VCF-style: chr2-47073828-C-T. GRCh37 (hg19) VCF-style: chr2-47300967-C-T.
Other names: c.2554C>T, p.Gln852Ter (NM_001288951.2); c.2380C>T, p.Gln794Ter (NM_001288953.2); c.1420C>T, p.Gln474Ter (NM_001288955.2); short protein forms Q474*, Q852*, Q794*, Q828*.
Identifiers: ClinVar variation 1040814 (VCV001040814.9), dbSNP rs1684987064, ClinGen allele CA346718027.
Genomic context (GRCh38, chr2:47,073,828, plus strand): 5'-AGGCAGAGTACGTGCCACGAGGCGTGGCAGGGCCTGGGCGAGGTGCTGCAGGCCCAGGGC[C>T]AGAACGAGGCTGCCGTTGACTGCTTCCTCACCGCCCTTGAGCTGGAGGCCAGCAGCCCTG-3'

ClinVar aggregate classification (germline): Uncertain significance (1 of 4 stars; one submission).

Conditions:
Multiple gastrointestinal atresias. Also called: FAMILIAL INTESTINAL POLYATRESIA SYNDROME; Multiple intestinal atresia. Identifiers: Orphanet 2300, MedGen C0220744, MONDO:0009465.

Allele frequency attached by ClinVar (database versions not stated): TOPMed below 0.00001.

Submission:

Labcorp Genetics (formerly Invitae), Labcorp
Classification: Uncertain significance for Multiple gastrointestinal atresias. Last evaluated: 2020-09-24. Review status: criteria provided, single submitter. Criteria: Invitae Variant Classification Sherloc (09022015). Collection method: clinical testing. Allele origin: germline.
Comment: In summary, the available evidence is currently insufficient to determine the role of this variant in disease. Therefore, it has been classified as a Variant of Uncertain Significance. This variant disrupts a region of the protein in which other variant(s) (p.Ala832Thr, p.Ala839Thr) have been observed in individuals with TTC7A-related conditions (PMID: 24417819, 29174094). This suggests that this may be a clinically significant region of the TTC7A protein. This variant has been observed in individual(s) with gastrointestinal defects and immunodeficiency syndrome (PMID: 24931897). This variant is not present in population databases (ExAC no frequency). This sequence change results in a premature translational stop signal in the TTC7A gene (p.Gln828*). While this is not anticipated to result in nonsense mediated decay, it is expected to disrupt the last 31 amino acids of the TTC7A protein.

Literature cited by the submitters: PubMed 24417819; PubMed 29174094; PubMed 24931897.